The following is an entry in ClinVar:

ClinVar aggregate classification (germline): Uncertain significance (1 of 4 stars; one submission).

Conditions:
DISP1-related disorder. Also called: DISP1-related condition.

Allele frequency attached by ClinVar (database versions not stated): gnomAD exomes below 0.00001.
gnomAD v4.1: 6 of 1,614,212 alleles (0.00037%); highest among the groups gnomAD compares: Non-Finnish European, 0.00051%; no homozygotes.

Submission:

PreventionGenetics, part of Exact Sciences
Classification: Uncertain significance for DISP1-related condition. Last evaluated: 2023-02-24. Review status: criteria provided, single submitter. Criteria: ACMG Guidelines, 2015. Collection method: clinical testing. Allele origin: germline.
Comment: The DISP1 c.1759G>C variant is predicted to result in the amino acid substitution p.Asp587His. To our knowledge, this variant has not been reported in the literature. This variant is reported in 0.00088% of alleles in individuals of European (Non-Finnish) descent in gnomAD. At this time, the clinical significance of this variant is uncertain due to the absence of conclusive functional and genetic evidence.

NM_001377229.1(DISP1):c.1759G>C (p.Asp587His)

Gene: DISP1 (dispatched RND transporter family member 1; plus strand). Cytogenetic location: 1q41.
Variant type: single nucleotide variant.
Coding change: c.1759G>C on transcript NM_001377229.1 (MANE Select); coding-DNA position 1759, G replaced by C.
Protein change: p.Asp587His; replaces aspartic acid 587 with histidine.
Molecular consequence: missense variant.
Genome position (GRCh38, 1-based): chr1:223,003,156, G>C. VCF-style: chr1-223003156-G-C. GRCh37 (hg19) VCF-style: chr1-223176498-G-C.
Other names: c.1030G>C, p.Asp344His (NM_001350630.2); c.1759G>C, p.Asp587His (NM_001369594.1, NM_001377228.1, NM_032890.5); short protein forms D344H, D587H.
Identifiers: ClinVar variation 2630413 (VCV002630413.1), dbSNP rs1490415277, ClinGen allele CA344679938.